The following is an entry in ClinVar:

NM_000384.3(APOB):c.7790T>A (p.Met2597Lys)

Gene: APOB (apolipoprotein B; minus strand). Cytogenetic location: 2p24.1.
Variant type: single nucleotide variant.
Coding change: c.7790T>A on transcript NM_000384.3 (MANE Select); coding-DNA position 7790, T replaced by A.
Protein change: p.Met2597Lys; replaces methionine 2597 with lysine.
Molecular consequence: missense variant.
Genome position (GRCh38, 1-based): chr2:21,009,078, A>T on the plus strand (T>A on the coding strand, the complement: APOB is on the minus strand). VCF-style: chr2-21009078-A-T. GRCh37 (hg19) VCF-style: chr2-21231950-A-T.
Other names: short protein forms M2597K.
Identifiers: ClinVar variation 3415943 (VCV003415943.1).

ClinVar aggregate classification (germline): Uncertain significance (1 of 4 stars; one submission).

Conditions:
Cardiovascular phenotype. Identifiers: MedGen CN230736.

Submission:

Ambry Genetics
Classification: Uncertain significance for Cardiovascular phenotype. Last evaluated: 2024-09-04. Review status: criteria provided, single submitter. Criteria: Ambry Variant Classification Scheme 2023. Collection method: clinical testing. Allele origin: germline.
Comment: The p.M2597K variant (also known as c.7790T>A), located in coding exon 26 of the APOB gene, results from a T to A substitution at nucleotide position 7790. The methionine at codon 2597 is replaced by lysine, an amino acid with similar properties. This amino acid position is conserved. In addition, this alteration is predicted to be tolerated by in silico analysis. Based on the available evidence, the clinical significance of this variant remains unclear.